The following is an entry in ClinVar:

ClinVar aggregate classification (germline): Uncertain significance (1 of 4 stars; one submission).

Conditions:
Cardiovascular phenotype. Identifiers: MedGen CN230736.
Hereditary cancer-predisposing syndrome. Also called: Neoplastic Syndromes, Hereditary; Tumor predisposition; Hereditary neoplastic syndrome; Hereditary Cancer Syndrome. Identifiers: Orphanet 140162, MedGen C0027672, MeSH D009386, MONDO:0015356.

Submission:

Ambry Genetics
Classification: Uncertain significance for Cardiovascular phenotype; Hereditary cancer-predisposing syndrome. Last evaluated: 2026-09-07. Review status: criteria provided, single submitter. Criteria: Ambry Variant Classification Scheme 2023. Collection method: clinical testing. Allele origin: germline.
Comment: The p.T371P variant (also known as c.1111A>C), located in coding exon 10 of the LZTR1 gene, results from an A to C substitution at nucleotide position 1111. The threonine at codon 371 is replaced by proline, an amino acid with highly similar properties. This amino acid position is conserved. In addition, this alteration is predicted to be tolerated by in silico analysis. Based on the available evidence, the clinical significance of this variant remains unclear.

NM_006767.4(LZTR1):c.1111A>C (p.Thr371Pro)

Gene: LZTR1 (leucine zipper like post translational regulator 1; plus strand). Cytogenetic location: 22q11.21.
Variant type: single nucleotide variant.
Coding change: c.1111A>C on transcript NM_006767.4 (MANE Select); coding-DNA position 1111, A replaced by C.
Protein change: p.Thr371Pro; replaces threonine 371 with proline.
Molecular consequence: missense variant.
Genome position (GRCh38, 1-based): chr22:20,992,331, A>C. VCF-style: chr22-20992331-A-C. GRCh37 (hg19) VCF-style: chr22-21346620-A-C.
Other names: short protein forms T371P.
Identifiers: ClinVar variation 5023810 (VCV005023810.1).
Genomic context (GRCh38, chr22:20,992,331, plus strand): 5'-ACCTATGAGGAGCGGGTTGGCTTCAAGAAGTCCCGAGATGTGTTTGGCCTGGACTTTGGC[A>C]CCACCTCAGCCAAGCAGCCCACCCAGCCTGCCTCGGAGGTACAGGCTGGGATCCTCATTA-3'
Protein context (NP_006758.2, residues 361-381): SRDVFGLDFG[Thr371Pro]TSAKQPTQPA